The following is an entry in ClinVar:

NM_001130965.3(SUN1):c.2237C>T (p.Ala746Val)

Gene: SUN1 (Sad1 and UNC84 domain containing 1; plus strand). Cytogenetic location: 7p22.3.
Variant type: single nucleotide variant.
Coding change: c.2237C>T on transcript NM_001130965.3 (MANE Select); coding-DNA position 2237, C replaced by T.
Protein change: p.Ala746Val; replaces alanine 746 with valine.
Molecular consequence: missense variant. On other transcripts: non-coding transcript variant (3), intron variant (12).
Genome position (GRCh38, 1-based): chr7:872,558, C>T. VCF-style: chr7-872558-C-T. GRCh37 (hg19) VCF-style: chr7-912195-C-T.
Other names: c.1928C>T, p.Ala643Val (NM_001171944.2); c.2237C>T, p.Ala746Val (NM_001367633.1, NM_001367634.1); c.1886C>T, p.Ala629Val (NM_001367635.1); c.2345C>T, p.Ala782Val (NM_001367638.1); c.1778C>T, p.Ala593Val (NM_001367639.1); c.2417C>T, p.Ala806Val (NM_001367640.1); c.2519C>T, p.Ala840Val (NM_001367641.1); c.2222C>T, p.Ala741Val (NM_001367642.1); and 55 more; short protein forms A685V, A720V, A733V, A741V, A745V, A755V, A774V, A782V.
Identifiers: ClinVar variation 706131 (VCV000706131.13), dbSNP rs189728809, ClinGen allele CA4112524.

ClinVar aggregate classification (germline): Likely benign. Review status: criteria provided, multiple submitters, no conflicts (2 of 4 stars). 3 submissions from 3 submitters: Likely benign (2). 1 of the submissions does not count toward it. Last evaluated 2025-11-03.

Conditions:
SUN1-related disorder. Also called: SUN1-related condition.
Emery-Dreifuss muscular dystrophy (EDMD). Also called: Scapuloperoneal syndrome, X-linked (formerly); Humeroperoneal neuromuscular disease, (formerly). Identifiers: Orphanet 261, MedGen C0410189, MONDO:0016830.

Allele frequency attached by ClinVar (database versions not stated): gnomAD exomes 0.00011 and 0.00031; ExAC 0.00052; 1000 Genomes Project 30x 0.00062; 1000 Genomes Project 0.00080; ESP Exome Variant Server 0.00121; gnomAD 0.00122 and 0.00133; TOPMed 0.00146.
gnomAD v4.1: 348 of 1,583,230 alleles (0.022%); highest among the groups gnomAD compares: African/African-American, 0.42%; 2 homozygotes.

Submissions (3):

Labcorp Genetics (formerly Invitae), Labcorp
Classification: Likely benign for Emery-Dreifuss muscular dystrophy. Last evaluated: 2025-11-03. Review status: criteria provided, single submitter. Criteria: Invitae Variant Classification Sherloc (09022015). Collection method: clinical testing. Allele origin: germline.

Breakthrough Genomics
Classification: Likely benign. Review status: criteria provided, single submitter. Criteria: ACMG Guidelines, 2015. Collection method: not provided. Allele origin: germline. Inheritance: Unknown mechanism. Affected: yes.

PreventionGenetics, part of Exact Sciences
Classification: Likely benign for SUN1-related condition. Last evaluated: 2022-05-31. Review status: no assertion criteria provided. Collection method: clinical testing. Allele origin: germline. Not counted in ClinVar's aggregate classification.
Comment: This variant is classified as likely benign based on ACMG/AMP sequence variant interpretation guidelines (Richards et al. 2015 PMID: 25741868, with internal and published modifications).